The following is an entry in ClinVar:

ClinVar aggregate classification (germline): Benign/Likely benign. Review status: criteria provided, multiple submitters, no conflicts (2 of 4 stars). 2 submissions from 2 submitters: Benign (1); Likely benign (1). Last evaluated 2026-03-01.

Allele frequency attached by ClinVar (database versions not stated): TOPMed 0.00041; ESP Exome Variant Server 0.00057; gnomAD exomes 0.00174 and 0.00381; 1000 Genomes Project 30x 0.00203; 1000 Genomes Project 0.00240; ExAC 0.00332; gnomAD 0.00354 and 0.00362.
gnomAD v4.1: 3,086 of 1,613,950 alleles (0.19%); highest among the groups gnomAD compares: East Asian, 0.076%; 40 homozygotes.

Submissions (2):

CeGaT Center for Human Genetics Tuebingen
Classification: Likely benign. Last evaluated: 2026-03-01. Review status: criteria provided, single submitter. Criteria: CeGaT Center For Human Genetics Tuebingen Variant Classification Criteria Version 2. Collection method: clinical testing. Allele origin: germline. Affected: yes. Observed: 1 variant allele.
Comment: DNAH10: BP4, BP7

Labcorp Genetics (formerly Invitae), Labcorp
Classification: Benign. Last evaluated: 2018-05-23. Review status: criteria provided, single submitter. Criteria: Invitae Variant Classification Sherloc (09022015). Collection method: clinical testing. Allele origin: germline.

NM_001372106.1(DNAH10):c.5760C>T (p.Asn1920=)

Gene: DNAH10 (dynein axonemal heavy chain 10; plus strand). Cytogenetic location: 12q24.31.
Variant type: single nucleotide variant.
Coding change: c.5760C>T on transcript NM_001372106.1 (MANE Select); coding-DNA position 5760, C replaced by T.
Protein change: p.Asn1920=; no amino-acid change (asparagine 1920 retained).
Molecular consequence: synonymous variant.
Genome position (GRCh38, 1-based): chr12:123,846,100, C>T. VCF-style: chr12-123846100-C-T. GRCh37 (hg19) VCF-style: chr12-124330647-C-T.
Other names: c.5406C>T, p.Asn1802= (NM_207437.3).
Identifiers: ClinVar variation 710971 (VCV000710971.7), dbSNP rs188201297, ClinGen allele CA6863951.